The following is an entry in ClinVar:

ClinVar aggregate classification (germline): Uncertain significance (1 of 4 stars; one submission).

Submission:

Labcorp Genetics (formerly Invitae), Labcorp
Classification: Uncertain significance. Last evaluated: 2025-02-26. Review status: criteria provided, single submitter. Criteria: Invitae Variant Classification Sherloc (09022015). Collection method: clinical testing. Allele origin: germline.
Comment: This sequence change creates a premature translational stop signal (p.Val610Phefs*3) in the COL10A1 gene. While this is not anticipated to result in nonsense mediated decay, it is expected to disrupt the last 71 amino acid(s) of the COL10A1 protein. This variant is not present in population databases (gnomAD no frequency). This variant has not been reported in the literature in individuals affected with COL10A1-related conditions. Experimental studies and prediction algorithms are not available or were not evaluated, and the functional significance of this variant is currently unknown. In summary, the available evidence is currently insufficient to determine the role of this variant in disease. Therefore, it has been classified as a Variant of Uncertain Significance.

NM_000493.4(COL10A1):c.1828del (p.Val610fs)

Genes: COL10A1 (collagen type X alpha 1 chain; minus strand), NT5DC1 (5'-nucleotidase domain containing 1; plus strand). Cytogenetic location: 6q22.1.
Variant type: Deletion.
Coding change: c.1828del on transcript NM_000493.4 (MANE Select); coding-DNA position 1828, one base deleted (G; older notation c.1828delG).
Protein change: p.Val610fs; shifts the reading frame from valine 610.
Molecular consequence: frameshift variant. On other transcripts: intron variant (1).
Genome position (GRCh38, 1-based): chr6:116,120,288, C deleted on the plus strand (G on the coding strand, the reverse complement: COL10A1 is on the minus strand). VCF-style (leftmost placement, unchanged base first): chr6-116120287-AC-A. GRCh37 (hg19) VCF-style: chr6-116441450-AC-A.
Other names: c.1828del, p.Val610fs (NM_001424106.1, NM_001424107.1); c.529+2343del (NM_152729.3); short protein forms V610fs.
Identifiers: ClinVar variation 4713787 (VCV004713787.1).
Genomic context (GRCh38, chr6:116,120,287, plus strand): 5'-TTGGTGTATTCATCATAGGTGTACATTACAGGGGTGCCATTCTTATACAGGCCTACCCAA[AC>A]ATGAGTCCCTTTCACATGCACGTGGTATGAAAAATAGTATATTCCTGGTATCTGACAAGT-3'